The following is an entry in ClinVar:

NM_001166114.2(PNPLA6):c.3541G>A (p.Val1181Ile)

Gene: PNPLA6 (patatin like domain 6, lysophospholipase; plus strand). Cytogenetic location: 19p13.2.
Variant type: single nucleotide variant.
Coding change: c.3541G>A on transcript NM_001166114.2 (MANE Select); coding-DNA position 3541, G replaced by A.
Protein change: p.Val1181Ile; replaces valine 1181 with isoleucine.
Molecular consequence: missense variant.
Genome position (GRCh38, 1-based): chr19:7,558,993, G>A. VCF-style: chr19-7558993-G-A. GRCh37 (hg19) VCF-style: chr19-7623879-G-A.
Other names: c.3571G>A, p.Val1191Ile (NM_001166111.2); c.3346G>A, p.Val1116Ile (NM_001166112.2); c.3427G>A, p.Val1143Ile (NM_001166113.1, NM_006702.5); short protein forms V1116I, V1181I, V1191I, V1143I.
Identifiers: ClinVar variation 1487404 (VCV001487404.8), dbSNP rs2146116601, ClinGen allele CA403135004.
Genomic context (GRCh38, chr19:7,558,993, plus strand): 5'-GGGGACAGCCTGTCCGGCTGGTGGCTGCTGTGGAAGCGGCTGAATCCCTGGGCTGACAAG[G>A]TAAAGGTTCCAGACATGGCTGAAATCCAGTCCCGCCTGGCCTACGTGTCCTGTGTGCGGC-3'
Protein context (NP_001159586.1, residues 1171-1191): WKRLNPWADK[Val1181Ile]KVPDMAEIQS

ClinVar aggregate classification (germline): Uncertain significance (1 of 4 stars; one submission).

Conditions:
Hereditary spastic paraplegia 39 (SPG39). Also called: SPASTIC PARAPLEGIA 39, AUTOSOMAL RECESSIVE; Spastic Paraplegia Type 39 (SPG39). Identifiers: Orphanet 139480, MedGen C2677586, MONDO:0012787, OMIM 612020.

Submission:

Labcorp Genetics (formerly Invitae), Labcorp
Classification: Uncertain significance for Hereditary spastic paraplegia 39. Last evaluated: 2020-11-21. Review status: criteria provided, single submitter. Criteria: Invitae Variant Classification Sherloc (09022015). Collection method: clinical testing. Allele origin: germline.
Comment: This sequence change replaces valine with isoleucine at codon 1143 of the PNPLA6 protein (p.Val1143Ile). The valine residue is moderately conserved and there is a small physicochemical difference between valine and isoleucine. This variant is not present in population databases (ExAC no frequency). This variant has not been reported in the literature in individuals with PNPLA6-related conditions. Algorithms developed to predict the effect of missense changes on protein structure and function output the following: SIFT: "Tolerated"; PolyPhen-2: "Benign"; Align-GVGD: "Class C0". The isoleucine amino acid residue is found in multiple mammalian species, suggesting that this missense change does not adversely affect protein function. These predictions have not been confirmed by published functional studies and their clinical significance is uncertain. In summary, the available evidence is currently insufficient to determine the role of this variant in disease. Therefore, it has been classified as a Variant of Uncertain Significance.